The following is an entry in ClinVar:

NM_152419.3(HGSNAT):c.1070T>C (p.Phe357Ser)

Gene: HGSNAT (heparan-alpha-glucosaminide N-acetyltransferase; plus strand). Cytogenetic location: 8p11.21.
Variant type: single nucleotide variant.
Coding change: c.1070T>C on transcript NM_152419.3 (MANE Select); coding-DNA position 1070, T replaced by C.
Protein change: p.Phe357Ser; replaces phenylalanine 357 with serine.
Molecular consequence: missense variant.
Genome position (GRCh38, 1-based): chr8:43,182,202, T>C. VCF-style: chr8-43182202-T-C. GRCh37 (hg19) VCF-style: chr8-43037345-T-C.
Other names: c.1070T>C, p.Phe357Ser (NM_001363227.2); c.878T>C, p.Phe293Ser (NM_001363228.2); c.206T>C, p.Phe69Ser (NM_001363229.2); c.1070T>C (NM_152419.2); short protein forms F293S, F69S, F357S.
Identifiers: ClinVar variation 1408107 (VCV001408107.5), dbSNP rs749415090, ClinGen allele CA4736741.

ClinVar aggregate classification (germline): Uncertain significance. Review status: criteria provided, multiple submitters, no conflicts (2 of 4 stars). 2 submissions from 2 submitters: Uncertain significance (2). Last evaluated 2025-10-24.

Conditions:
Inborn genetic diseases. Identifiers: MedGen C0950123, MeSH D030342.
Retinitis pigmentosa 73 (RP73). Identifiers: Orphanet 791, MedGen C4225287, MONDO:0014687, OMIM 616544.
Mucopolysaccharidosis, MPS-III-C (MPS3C). Also called: MPS IIIC (Sanfilippo Syndrome Type C); MUCOPOLYSACCHARIDOSIS, TYPE IIIC; Mucopolysaccharidosis type IIIC (Sanfilippo C); SANFILIPPO SYNDROME C; MPS III C; mucopolysaccharidosis type 3C. Identifiers: Orphanet 581, Orphanet 79271, MedGen C0086649, MONDO:0009657, OMIM 252930.

Allele frequency attached by ClinVar (database versions not stated): ExAC 0.00002; gnomAD exomes 0.00002 and 0.00004; gnomAD 0.00002; TOPMed 0.00002.
gnomAD v4.1: 55 of 1,613,878 alleles (0.0034%); highest among the groups gnomAD compares: Non-Finnish European, 0.0044%; no homozygotes.

Submissions (2):

Ambry Genetics
Classification: Uncertain significance for Inborn genetic diseases. Last evaluated: 2025-10-24. Review status: criteria provided, single submitter. Criteria: Ambry Variant Classification Scheme 2023. Collection method: clinical testing. Allele origin: germline.

Labcorp Genetics (formerly Invitae), Labcorp
Classification: Uncertain significance for Retinitis pigmentosa 73; Mucopolysaccharidosis, MPS-III-C. Last evaluated: 2025-06-11. Review status: criteria provided, single submitter. Criteria: Invitae Variant Classification Sherloc (09022015). Collection method: clinical testing. Allele origin: germline.
Comment: This sequence change replaces phenylalanine, which is neutral and non-polar, with serine, which is neutral and polar, at codon 357 of the HGSNAT protein (p.Phe357Ser). This variant is present in population databases (rs749415090, gnomAD 0.004%). This variant has not been reported in the literature in individuals affected with HGSNAT-related conditions. ClinVar contains an entry for this variant (Variation ID: 1408107). Invitae Evidence Modeling of protein sequence and biophysical properties (such as structural, functional, and spatial information, amino acid conservation, physicochemical variation, residue mobility, and thermodynamic stability) indicates that this missense variant is expected to disrupt HGSNAT protein function with a positive predictive value of 80%. In summary, the available evidence is currently insufficient to determine the role of this variant in disease. Therefore, it has been classified as a Variant of Uncertain Significance.